The following is an entry in ClinVar:

ClinVar aggregate classification (germline): Uncertain significance (1 of 4 stars; one submission).

Submission:

Labcorp Genetics (formerly Invitae), Labcorp
Classification: Uncertain significance. Last evaluated: 2025-12-23. Review status: criteria provided, single submitter. Criteria: Invitae Variant Classification Sherloc (09022015). Collection method: clinical testing. Allele origin: germline.
Comment: This sequence change replaces glycine, which is neutral and non-polar, with arginine, which is basic and polar, at codon 420 of the IL12RB2 protein (p.Gly420Arg). This variant also falls at the last nucleotide of exon 9, which is part of the consensus splice site for this exon. This variant is not present in population databases (gnomAD no frequency). This variant has not been reported in the literature in individuals affected with IL12RB2-related conditions. An algorithm developed to predict the effect of missense changes on protein structure and function outputs the following: PolyPhen-2: "Benign". The arginine amino acid residue is found in multiple mammalian species, which suggests that this missense change does not adversely affect protein function. Experimental studies have shown that this missense change does not substantially affect IL12RB2 function (PMID: 23911393). Variants that disrupt the consensus splice site are a relatively common cause of aberrant splicing (PMID: 17576681, 9536098). In summary, the available evidence is currently insufficient to determine the role of this variant in disease. Therefore, it has been classified as a Variant of Uncertain Significance.

Literature cited by the submitters: PubMed 23911393; PubMed 17576681; PubMed 9536098.

NM_001374259.2(IL12RB2):c.1258G>C (p.Gly420Arg)

Gene: IL12RB2 (interleukin 12 receptor subunit beta 2; plus strand). Cytogenetic location: 1p31.3.
Variant type: single nucleotide variant.
Coding change: c.1258G>C on transcript NM_001374259.2 (MANE Select); coding-DNA position 1258, G replaced by C.
Protein change: p.Gly420Arg; replaces glycine 420 with arginine.
Molecular consequence: missense variant. On other transcripts: non-coding transcript variant (2).
Genome position (GRCh38, 1-based): chr1:67,351,089, G>C. VCF-style: chr1-67351089-G-C. GRCh37 (hg19) VCF-style: chr1-67816772-G-C.
Other names: c.1258G>C, p.Gly420Arg (NM_001258214.1, NM_001258215.1, NM_001258216.1 and 2 more transcripts); short protein forms G420R.
Identifiers: ClinVar variation 4777259 (VCV004777259.1).